The following is an entry in ClinVar:

ClinVar aggregate classification (germline): Pathogenic/Likely pathogenic. Review status: criteria provided, multiple submitters, no conflicts (2 of 4 stars). 2 submissions from 2 submitters: Pathogenic (1); Likely pathogenic (1). Last evaluated 2025-12-29.

Conditions:
Myoglobinuria, acute recurrent, autosomal recessive. Also called: MYOGLOBINURIA, FAMILIAL PAROXYSMAL PARALYTIC; RHABDOMYOLYSIS, ACUTE RECURRENT; Myoglobinuria, recurrent, autosomal recessive. Identifiers: Orphanet 99845, MedGen C1849386, MONDO:0009992, OMIM 268200.

gnomAD v4.1: 2 of 1,613,540 alleles (0.00012%); highest among the groups gnomAD compares: Non-Finnish European, 0.00017%; no homozygotes.

Submissions (2):

Labcorp Genetics (formerly Invitae), Labcorp
Classification: Pathogenic. Last evaluated: 2025-12-29. Review status: criteria provided, single submitter. Criteria: Invitae Variant Classification Sherloc (09022015). Collection method: clinical testing. Allele origin: germline.
Comment: This sequence change affects an acceptor splice site in intron 12 of the LPIN1 gene. It is expected to disrupt RNA splicing. Variants that disrupt the donor or acceptor splice site typically lead to a loss of protein function (PMID: 16199547), and loss-of-function variants in LPIN1 are known to be pathogenic (PMID: 18817903, 20583302, 22481384, 26111941). This variant is not present in population databases (gnomAD no frequency). Disruption of this splice site has been observed in individuals with autosomal recessive myoglobinuria (PMID: 35242575; internal data). ClinVar contains an entry for this variant (Variation ID: 3584334). Algorithms developed to predict the effect of sequence changes on RNA splicing suggest that this variant may disrupt the consensus splice site. For these reasons, this variant has been classified as Pathogenic.

Fulgent Genetics
Classification: Likely pathogenic for Myoglobinuria, acute recurrent, autosomal recessive. Last evaluated: 2023-12-29. Review status: criteria provided, single submitter. Criteria: ACMG Guidelines, 2015. Collection method: clinical testing. Allele origin: germline.

Literature cited by the submitters: PubMed 16199547 (cited by Labcorp Genetics (formerly Invitae), Labcorp); PubMed 18817903 (cited by Labcorp Genetics (formerly Invitae), Labcorp); PubMed 20583302 (cited by Labcorp Genetics (formerly Invitae), Labcorp); PubMed 22481384 (cited by Labcorp Genetics (formerly Invitae), Labcorp); PubMed 26111941 (cited by Labcorp Genetics (formerly Invitae), Labcorp); PubMed 35242575 (cited by Labcorp Genetics (formerly Invitae), Labcorp).

NM_001349206.2(LPIN1):c.1807-1G>A

Gene: LPIN1 (lipin 1; plus strand). Cytogenetic location: 2p25.1.
Variant type: single nucleotide variant.
Coding change: c.1807-1G>A on transcript NM_001349206.2 (MANE Select); the canonical splice acceptor site of the intron before coding-DNA position 1807, G replaced by A.
Molecular consequence: splice acceptor variant.
Genome position (GRCh38, 1-based): chr2:11,795,407, G>A. VCF-style: chr2-11795407-G-A. GRCh37 (hg19) VCF-style: chr2-11935533-G-A.
Other names: c.1954-1G>A (NM_001261428.3); c.1846-1G>A (NM_001349208.2); c.1897-1G>A (NM_001349207.2); c.1717-1G>A (NM_001261427.3); c.1807-1G>A (NM_001349204.2, NM_001349205.2); c.1804-1G>A (NM_001349202.2, NM_001349203.2); c.1777-1G>A (NM_001349200.2, NM_001349201.2); c.1699-1G>A (NM_001349199.2, NM_145693.4).
Identifiers: ClinVar variation 3584334 (VCV003584334.3).